The following is an entry in ClinVar:

ClinVar aggregate classification (germline): Uncertain significance. Review status: criteria provided, multiple submitters, no conflicts (2 of 4 stars). 3 submissions from 3 submitters: Uncertain significance (3). Last evaluated 2025-08-17.

Conditions:
Hereditary cancer-predisposing syndrome. Also called: Tumor predisposition; Hereditary neoplastic syndrome; Hereditary Cancer Syndrome; Neoplastic Syndromes, Hereditary. Identifiers: Orphanet 140162, MedGen C0027672, MeSH D009386, MONDO:0015356.

Allele frequency attached by ClinVar (database versions not stated): ExAC 0.00001; gnomAD exomes 0.00001; TOPMed 0.00001.
gnomAD v4.1: 8 of 1,612,686 alleles (0.0005%); highest among the groups gnomAD compares: Middle Eastern, 0.017%; no homozygotes.

Submissions (3):

Labcorp Genetics (formerly Invitae), Labcorp
Classification: Uncertain significance. Last evaluated: 2025-08-17. Review status: criteria provided, single submitter. Criteria: Invitae Variant Classification Sherloc (09022015). Collection method: clinical testing. Allele origin: germline.
Comment: This sequence change replaces arginine, which is basic and polar, with cysteine, which is neutral and slightly polar, at codon 1082 of the POLE protein (p.Arg1082Cys). This variant is present in population databases (rs745349336, gnomAD 0.004%). This variant has not been reported in the literature in individuals affected with POLE-related conditions. ClinVar contains an entry for this variant (Variation ID: 577924). Invitae Evidence Modeling of protein sequence and biophysical properties (such as structural, functional, and spatial information, amino acid conservation, physicochemical variation, residue mobility, and thermodynamic stability) indicates that this missense variant is not expected to disrupt POLE protein function with a negative predictive value of 80%. In summary, the available evidence is currently insufficient to determine the role of this variant in disease. Therefore, it has been classified as a Variant of Uncertain Significance.

GeneDx
Classification: Uncertain significance. Last evaluated: 2025-02-11. Review status: criteria provided, single submitter. Criteria: GeneDx Variant Classification Process June 2021. Collection method: clinical testing. Allele origin: germline. Affected: yes.
Comment: Has not been previously published as pathogenic or benign to our knowledge; In silico analysis supports that this missense variant has a deleterious effect on protein structure/function; Not observed at significant frequency in large population cohorts (gnomAD)

Ambry Genetics
Classification: Uncertain significance for Hereditary cancer-predisposing syndrome. Last evaluated: 2025-01-15. Review status: criteria provided, single submitter. Criteria: Ambry Variant Classification Scheme 2023. Collection method: clinical testing. Allele origin: germline.
Comment: The p.R1082C variant (also known as c.3244C>T), located in coding exon 26 of the POLE gene, results from a C to T substitution at nucleotide position 3244. The arginine at codon 1082 is replaced by cysteine, an amino acid with highly dissimilar properties. This amino acid position is well conserved in available vertebrate species. In addition, this alteration is predicted to be tolerated by in silico analysis. Based on the available evidence, the clinical significance of this variant remains unclear.

NM_006231.4(POLE):c.3244C>T (p.Arg1082Cys)

Gene: POLE (DNA polymerase epsilon, catalytic subunit; minus strand). Cytogenetic location: 12q24.33.
Variant type: single nucleotide variant.
Coding change: c.3244C>T on transcript NM_006231.4 (MANE Select); coding-DNA position 3244, C replaced by T.
Protein change: p.Arg1082Cys; replaces arginine 1082 with cysteine.
Molecular consequence: missense variant.
Genome position (GRCh38, 1-based): chr12:132,659,326, G>A on the plus strand (C>T on the coding strand, the complement: POLE is on the minus strand). VCF-style: chr12-132659326-G-A. GRCh37 (hg19) VCF-style: chr12-133235912-G-A.
Other names: c.3244C>T (NM_006231.2); short protein forms R1082C.
Identifiers: ClinVar variation 577924 (VCV000577924.10), dbSNP rs745349336, ClinGen allele CA6893329.